The following is an entry in ClinVar:

NM_000368.5(TSC1):c.850C>A (p.Arg284Ser)

Gene: TSC1 (TSC complex subunit 1; minus strand). Cytogenetic location: 9q34.13.
Variant type: single nucleotide variant.
Coding change: c.850C>A on transcript NM_000368.5 (MANE Select); coding-DNA position 850, C replaced by A.
Protein change: p.Arg284Ser; replaces arginine 284 with serine.
Molecular consequence: missense variant.
Genome position (GRCh38, 1-based): chr9:132,912,345, G>T on the plus strand (C>A on the coding strand, the complement: TSC1 is on the minus strand). VCF-style: chr9-132912345-G-T. GRCh37 (hg19) VCF-style: chr9-135787732-G-T.
Other names: c.850C>A, p.Arg284Ser (NM_001162426.2); c.697C>A, p.Arg233Ser (NM_001162427.2); c.487C>A, p.Arg163Ser (NM_001362177.2); short protein forms R284S, R163S, R233S.
Identifiers: ClinVar variation 411224 (VCV000411224.9), dbSNP rs140544652, ClinGen allele CA16612492.

ClinVar aggregate classification (germline): Uncertain significance. Review status: criteria provided, multiple submitters, no conflicts (2 of 4 stars). 2 submissions from 2 submitters: Uncertain significance (2). Last evaluated 2024-12-06.

Conditions:
Tuberous sclerosis 1 (TSC1). Identifiers: Orphanet 805, MedGen C1854465, MONDO:0008612, OMIM 191100.
Hereditary cancer-predisposing syndrome. Also called: Hereditary neoplastic syndrome; Neoplastic Syndromes, Hereditary; Tumor predisposition; Hereditary Cancer Syndrome. Identifiers: Orphanet 140162, MedGen C0027672, MeSH D009386, MONDO:0015356.

Submissions (2):

Ambry Genetics
Classification: Uncertain significance for Hereditary cancer-predisposing syndrome. Last evaluated: 2024-12-06. Review status: criteria provided, single submitter. Criteria: Ambry Variant Classification Scheme 2023. Collection method: clinical testing. Allele origin: germline.
Comment: The p.R284S variant (also known as c.850C>A), located in coding exon 7 of the TSC1 gene, results from a C to A substitution at nucleotide position 850. The arginine at codon 284 is replaced by serine, an amino acid with dissimilar properties. This amino acid position is not well conserved in available vertebrate species. In addition, the in silico prediction for this alteration is inconclusive. Based on the available evidence, the clinical significance of this variant remains unclear.

Labcorp Genetics (formerly Invitae), Labcorp
Classification: Uncertain significance for Tuberous sclerosis 1. Last evaluated: 2022-09-09. Review status: criteria provided, single submitter. Criteria: Invitae Variant Classification Sherloc (09022015). Collection method: clinical testing. Allele origin: germline.
Comment: In summary, the available evidence is currently insufficient to determine the role of this variant in disease. Therefore, it has been classified as a Variant of Uncertain Significance. Advanced modeling of protein sequence and biophysical properties (such as structural, functional, and spatial information, amino acid conservation, physicochemical variation, residue mobility, and thermodynamic stability) performed at Invitae indicates that this missense variant is not expected to disrupt TSC1 protein function. ClinVar contains an entry for this variant (Variation ID: 411224). This variant has not been reported in the literature in individuals affected with TSC1-related conditions. This variant is not present in population databases (gnomAD no frequency). This sequence change replaces arginine, which is basic and polar, with serine, which is neutral and polar, at codon 284 of the TSC1 protein (p.Arg284Ser).